The following is an entry in ClinVar:

ClinVar aggregate classification (germline): Likely benign. Review status: criteria provided, single submitter (1 of 4 stars). 2 submissions from 2 submitters: Likely benign (1). 1 of the submissions does not count toward it. Last evaluated 2024-02-21.

Conditions:
PRR12-related disorder. Also called: PRR12-related condition.

Allele frequency attached by ClinVar (database versions not stated): gnomAD exomes 0.00003; gnomAD 0.00006; TOPMed 0.00009; 1000 Genomes Project 30x 0.00031; 1000 Genomes Project 0.00040.
gnomAD v4.1: 62 of 1,553,098 alleles (0.004%); highest among the groups gnomAD compares: East Asian, 0.017%; no homozygotes.

Submissions (2):

Blueprint Genetics
Classification: Likely benign. Last evaluated: 2024-02-21. Review status: criteria provided, single submitter. Criteria: ACMG Guidelines, 2015. Collection method: clinical testing. Allele origin: germline.

PreventionGenetics, part of Exact Sciences
Classification: Likely benign for PRR12-related condition. Last evaluated: 2019-09-13. Review status: no assertion criteria provided. Collection method: clinical testing. Allele origin: germline. Not counted in ClinVar's aggregate classification.
Comment: This variant is classified as likely benign based on ACMG/AMP sequence variant interpretation guidelines (Richards et al. 2015 PMID: 25741868, with internal and published modifications).

NM_020719.3(PRR12):c.2727C>T (p.Pro909=)

Gene: PRR12 (proline rich 12; plus strand). Cytogenetic location: 19q13.33.
Variant type: single nucleotide variant.
Coding change: c.2727C>T on transcript NM_020719.3 (MANE Select); coding-DNA position 2727, C replaced by T.
Protein change: p.Pro909=; no amino-acid change (proline 909 retained).
Molecular consequence: synonymous variant.
Genome position (GRCh38, 1-based): chr19:49,597,062, C>T. VCF-style: chr19-49597062-C-T. GRCh37 (hg19) VCF-style: chr19-50100319-C-T.
Identifiers: ClinVar variation 3039946 (VCV003039946.3), dbSNP rs371811298, ClinGen allele CA9578178.